The following is an entry in ClinVar:

NM_006908.5(RAC1):c.171T>G (p.Asp57Glu)

Gene: RAC1 (Rac family small GTPase 1; plus strand). Cytogenetic location: 7p22.1.
Variant type: single nucleotide variant.
Coding change: c.171T>G on transcript NM_006908.5 (MANE Select); coding-DNA position 171, T replaced by G.
Protein change: p.Asp57Glu; replaces aspartic acid 57 with glutamic acid.
Molecular consequence: missense variant.
Genome position (GRCh38, 1-based): chr7:6,391,987, T>G. VCF-style: chr7-6391987-T-G. GRCh37 (hg19) VCF-style: chr7-6431618-T-G.
Other names: c.171T>G, p.Asp57Glu (NM_018890.4); short protein forms D57E.
Identifiers: ClinVar variation 4532075 (VCV004532075.1).

ClinVar aggregate classification (germline): Likely pathogenic (1 of 4 stars; one submission).

Conditions:
Intellectual developmental disorder, autosomal dominant 48. Also called: MENTAL RETARDATION, AUTOSOMAL DOMINANT 48; Intellectual disability, autosomal dominant 48. Identifiers: Orphanet 500159, MedGen C4540321, MONDO:0030913, OMIM 617751.

Submission:

Victorian Clinical Genetics Services, Murdoch Childrens Research Institute
Classification: Likely pathogenic for Intellectual developmental disorder, autosomal dominant 48. Last evaluated: 2025-10-31. Review status: criteria provided, single submitter. Criteria: ACMG Guidelines, 2015. Collection method: clinical testing. Allele origin: germline. Affected: yes.
Comment: This variant is classified as Likely pathogenic. Evidence in support of pathogenic classification: Variant is absent from gnomAD (v2, v3 and v4); Variant is located in the RAS domain (DECIPHER) and this residue is annotated as an interaction site (NCBI domain); Missense variant predicted to be damaging by in silico tool(s) or highly conserved with a major amino acid change; Additional information: Variant is predicted to result in a missense amino acid change from Asp to Glu; This variant is heterozygous; This gene is associated with autosomal dominant disease; This variant has no previous evidence of pathogenicity; No published evidence of segregation with disease has been identified for this variant; No published functional evidence has been identified for this variant; Another missense variant comparable to the one identified in this case has inconclusive previous evidence for pathogenicity. p.(Asp57Ala) has been classified as VUS by one clinical laboratory in ClinVar, and reported as de novo in the literature in a fetus with Dandy-Walker malformation and intrauterine growth restriction (PMID: 30712878); Gain of function is a known mechanism of disease in this gene and is associated with intellectual developmental disorder, autosomal dominant 48 (MIM#617751) (PMID: 35139179). Dominant negative and loss of function have also been suggested as mechanisms of disease (PMIDs: 28886345, 37328543); Variants in this gene are known to have variable expressivity. Patients display a highly variable neurodevelopmental disorder (OMIM, PMID: 35139179).

Literature cited by the submitters: PubMed 30712878; PubMed 28886345; PubMed 37328543; PubMed 35139179.